The following is an entry in ClinVar:

NM_032977.4(CASP10):c.314T>C (p.Leu105Pro)

Gene: CASP10 (caspase 10; plus strand). Cytogenetic location: 2q33.1.
Variant type: single nucleotide variant.
Coding change: c.314T>C on transcript NM_032977.4 (MANE Select); coding-DNA position 314, T replaced by C.
Protein change: p.Leu105Pro; replaces leucine 105 with proline.
Molecular consequence: missense variant.
Genome position (GRCh38, 1-based): chr2:201,186,091, T>C. VCF-style: chr2-201186091-T-C. GRCh37 (hg19) VCF-style: chr2-202050814-T-C.
Other names: c.314T>C, p.Leu105Pro (NM_032974.5, NM_032976.4, NM_001206524.2 and 3 more transcripts); short protein forms L105P.
Identifiers: ClinVar variation 1436583 (VCV001436583.9), dbSNP rs200530667, ClinGen allele CA2052813.
Genomic context (GRCh38, chr2:201,186,091, plus strand): 5'-TCATACGGCAGAAGAAGCTGCTGCAGCACCTCAACTGTACCAAAGAGGAAGTGGAGCGAC[T>C]GCTGCCCACCCGACAAAGGGTTTCTCTGTTTAGGTGAGGACGGGTCTGTGGTGGAGATGG-3'
Protein context (NP_116759.2, residues 95-115): LNCTKEEVER[Leu105Pro]LPTRQRVSLF

ClinVar aggregate classification (germline): Uncertain significance (1 of 4 stars; one submission).

Conditions:
Autoimmune lymphoproliferative syndrome type 2A (ALPS2A). Also called: CASP10-Related Autoimmune Lymphoproliferative Syndrome; AUTOIMMUNE LYMPHOPROLIFERATIVE SYNDROME, TYPE IIA; Autoimmune lymphoproliferative syndrome type 2. Identifiers: Orphanet 3261, MedGen C1858968, MONDO:0011383, OMIM 603909.

Allele frequency attached by ClinVar (database versions not stated): TOPMed 0.00002; gnomAD 0.00003 and 0.00007; gnomAD exomes 0.00003; ExAC 0.00007; 1000 Genomes Project 0.00020; 1000 Genomes Project 30x 0.00031.
gnomAD v4.1: 25 of 1,612,288 alleles (0.0016%); highest among the groups gnomAD compares: East Asian, 0.02%; no homozygotes.

Submission:

Labcorp Genetics (formerly Invitae), Labcorp
Classification: Uncertain significance for Autoimmune lymphoproliferative syndrome type 2A. Last evaluated: 2024-08-10. Review status: criteria provided, single submitter. Criteria: Invitae Variant Classification Sherloc (09022015). Collection method: clinical testing. Allele origin: germline.
Comment: This sequence change replaces leucine, which is neutral and non-polar, with proline, which is neutral and non-polar, at codon 105 of the CASP10 protein (p.Leu105Pro). This variant is present in population databases (rs200530667, gnomAD 0.03%). This variant has not been reported in the literature in individuals affected with CASP10-related conditions. ClinVar contains an entry for this variant (Variation ID: 1436583). Advanced modeling of protein sequence and biophysical properties (such as structural, functional, and spatial information, amino acid conservation, physicochemical variation, residue mobility, and thermodynamic stability) performed at Invitae indicates that this missense variant is not expected to disrupt CASP10 protein function with a negative predictive value of 80%. In summary, the available evidence is currently insufficient to determine the role of this variant in disease. Therefore, it has been classified as a Variant of Uncertain Significance.